The following is an entry in ClinVar:

ClinVar aggregate classification (germline): Uncertain significance. Review status: criteria provided, multiple submitters, no conflicts (2 of 4 stars). 4 submissions from 4 submitters: Uncertain significance (4). Last evaluated 2024-10-16.

Conditions:
Hypertrophic cardiomyopathy 20. Identifiers: MedGen C3151267, MONDO:0013477, OMIM 613876.
Dilated cardiomyopathy 1CC (CMD1CC). Identifiers: Orphanet 154, MedGen C2751084, MONDO:0013147, OMIM 613122.
Cardiomyopathy (CMYO). Also called: Cardiomyopathies. Identifiers: Orphanet 167848, MedGen C0878544, MONDO:0004994, HP:0001638. Inheritance: Various modes of inheritance.

Allele frequency attached by ClinVar (database versions not stated): gnomAD 0.00001; gnomAD exomes 0.00001; TOPMed 0.00001.

Submissions (4):

Labcorp Genetics (formerly Invitae), Labcorp
Classification: Uncertain significance for Dilated cardiomyopathy 1CC; Hypertrophic cardiomyopathy 20. Last evaluated: 2024-10-16. Review status: criteria provided, single submitter. Criteria: Invitae Variant Classification Sherloc (09022015). Collection method: clinical testing. Allele origin: germline.
Comment: This sequence change replaces arginine, which is basic and polar, with cysteine, which is neutral and slightly polar, at codon 141 of the NEXN protein (p.Arg141Cys). This variant is present in population databases (rs536537549, gnomAD 0.003%). This variant has not been reported in the literature in individuals affected with NEXN-related conditions. ClinVar contains an entry for this variant (Variation ID: 691653). Invitae Evidence Modeling of protein sequence and biophysical properties (such as structural, functional, and spatial information, amino acid conservation, physicochemical variation, residue mobility, and thermodynamic stability) indicates that this missense variant is not expected to disrupt NEXN protein function with a negative predictive value of 80%. In summary, the available evidence is currently insufficient to determine the role of this variant in disease. Therefore, it has been classified as a Variant of Uncertain Significance.

Fulgent Genetics
Classification: Uncertain significance for Dilated cardiomyopathy 1CC; Hypertrophic cardiomyopathy 20. Last evaluated: 2021-10-21. Review status: criteria provided, single submitter. Criteria: ACMG Guidelines, 2015. Collection method: clinical testing. Allele origin: unknown.

Blueprint Genetics
Classification: Uncertain significance. Last evaluated: 2021-05-25. Review status: criteria provided, single submitter. Criteria: ACMG Guidelines, 2015. Collection method: clinical testing. Allele origin: germline.

Center for Advanced Laboratory Medicine, UC San Diego Health, University of California San Diego
Classification: Uncertain significance for Cardiomyopathy. Last evaluated: 2019-01-31. Review status: criteria provided, single submitter. Criteria: ACMG Guidelines, 2015. Collection method: clinical testing. Allele origin: germline. Affected: yes. Observed: 1 variant allele.

NM_144573.4(NEXN):c.421C>T (p.Arg141Cys)

Genes: NEXN (nexilin F-actin binding protein; plus strand), LOC126805765 (BRD4-independent group 4 enhancer GRCh37_chr1:78383688-78384887; plus strand). Cytogenetic location: 1p31.1.
Variant type: single nucleotide variant.
Coding change: c.421C>T on transcript NM_144573.4 (MANE Select); coding-DNA position 421, C replaced by T.
Protein change: p.Arg141Cys; replaces arginine 141 with cysteine.
Molecular consequence: missense variant.
Genome position (GRCh38, 1-based): chr1:77,918,247, C>T. VCF-style: chr1-77918247-C-T. GRCh37 (hg19) VCF-style: chr1-78383932-C-T.
Other names: c.229C>T, p.Arg77Cys (NM_001172309.2); short protein forms R77C, R141C.
Identifiers: ClinVar variation 691653 (VCV000691653.12), dbSNP rs536537549, ClinGen allele CA24705475.